The following is an entry in ClinVar:

NM_019616.4(F7):c.724del (p.Asn241_Leu242insTer)

Gene: F7 (coagulation factor VII; plus strand). Cytogenetic location: 13q34.
Variant type: Deletion.
Coding change: c.724del on transcript NM_019616.4 (MANE Select); coding-DNA position 724, one base deleted (C; older notation c.724delC).
Protein change: p.Asn241_Leu242insTer.
Molecular consequence: nonsense. On other transcripts: frameshift variant (1), non-coding transcript variant (1).
Genome position (GRCh38, 1-based): chr13:113,117,581, C deleted; the last of 2 consecutive C bases (chr13:113,117,580-113,117,581); deleting either gives the same sequence. VCF-style (leftmost placement, unchanged base first): chr13-113117579-AC-A. GRCh37 (hg19) VCF-style: chr13-113771893-AC-A.
Other names: c.790delC, p.Leu264Terfs (NM_000131.5); c.538del, p.Asn179_Leu180insTer (NM_001267554.2).
Identifiers: ClinVar variation 1071294 (VCV001071294.11), dbSNP rs2142229406, ClinGen allele CA2499221960.
Genomic context (GRCh38, chr13:113,117,579, plus strand): 5'-TCAACACCATCTGGGTGGTCTCCGCGGCCCACTGTTTCGACAAAATCAAGAACTGGAGGA[AC>A]CTGATCGCGGTGCTGGGTGGGTACCACTCTCCCCTGTCCGACCGCGGTGCTGGGTGGGTG-3'

ClinVar aggregate classification (germline): Pathogenic/Likely pathogenic. Review status: criteria provided, multiple submitters, no conflicts (2 of 4 stars). 3 submissions from 3 submitters: Pathogenic (2); Likely pathogenic (1). Last evaluated 2024-09-18.

Conditions:
F7-related disorders.

Submissions (3):

GeneDx
Classification: Pathogenic. Last evaluated: 2024-09-18. Review status: criteria provided, single submitter. Criteria: GeneDx Variant Classification Process June 2021. Collection method: clinical testing. Allele origin: germline. Affected: yes.
Comment: Nonsense variant predicted to result in protein truncation, as the last 203 amino acids are lost, and other loss-of-function variants have been reported downstream in HGMD; Not observed at significant frequency in large population cohorts (gnomAD); This variant is associated with the following publications: (PMID: 12975783, 31424144, 36760778)

Blueprint Genetics
Classification: Likely pathogenic for F7-related disorders. Last evaluated: 2022-10-26. Review status: criteria provided, single submitter. Criteria: ACMG Guidelines, 2015. Collection method: clinical testing. Allele origin: germline. Affected: yes. Observed: 4 variant alleles.

Labcorp Genetics (formerly Invitae), Labcorp
Classification: Pathogenic. Last evaluated: 2018-01-05. Review status: criteria provided, single submitter. Criteria: Invitae Variant Classification Sherloc (09022015). Collection method: clinical testing. Allele origin: germline.
Comment: A different truncation (p.Gln281*) that lies downstream of this variant has been determined to be pathogenic (PMID: 11529858). This suggests that deletion of this region of the F7 protein is causative of disease. For these reasons, this variant has been classified as Pathogenic. This variant has been reported in the heterozygous state in a family affected with intermediate factor VII deficiency (PMID: 12975783). This sequence change results in a premature translational stop signal in the F7 gene (p.Leu264*). While this is not anticipated to result in nonsense mediated decay, it is expected to delete the last 203 amino acids of the F7 protein. This variant is not present in population databases (ExAC no frequency).

Literature cited by the submitters: PubMed 11529858 (cited by Labcorp Genetics (formerly Invitae), Labcorp); PubMed 12975783 (cited by Labcorp Genetics (formerly Invitae), Labcorp).